The following is an entry in ClinVar:

NM_006031.6(PCNT):c.7026dup (p.Asp2343Ter)

Gene: PCNT (pericentrin; plus strand). Cytogenetic location: 21q22.3.
Variant type: Duplication.
Coding change: c.7026dup on transcript NM_006031.6 (MANE Select); coding-DNA position 7026, one base duplicated (T; older notation c.7026dupT).
Protein change: p.Asp2343Ter; replaces aspartic acid 2343 with a stop codon.
Molecular consequence: nonsense.
Genome position (GRCh38, 1-based): chr21:46,421,971, T duplicated. VCF-style (leftmost placement, unchanged base first): chr21-46421970-G-GT. GRCh37 (hg19) VCF-style: chr21-47841884-G-GT.
Other names: c.6672dup, p.Asp2225Ter (NM_001315529.2); short protein forms D2225*, D2343*.
Identifiers: ClinVar variation 1459287 (VCV001459287.6), dbSNP rs2147850264, ClinGen allele CA2573157532.

ClinVar aggregate classification (germline): Pathogenic (1 of 4 stars; one submission).

Submission:

Labcorp Genetics (formerly Invitae), Labcorp
Classification: Pathogenic. Last evaluated: 2021-06-29. Review status: criteria provided, single submitter. Criteria: Invitae Variant Classification Sherloc (09022015). Collection method: clinical testing. Allele origin: germline.
Comment: This sequence change creates a premature translational stop signal (p.Asp2343*) in the PCNT gene. It is expected to result in an absent or disrupted protein product. Loss-of-function variants in PCNT are known to be pathogenic (PMID: 18174396, 22821869). This variant is not present in population databases (ExAC no frequency). This variant has not been reported in the literature in individuals affected with PCNT-related conditions. For these reasons, this variant has been classified as Pathogenic.

Literature cited by the submitters: PubMed 18174396; PubMed 22821869.